The following is an entry in ClinVar:

NM_001083961.2(WDR62):c.3937G>A (p.Val1313Met)

Gene: WDR62 (WD repeat domain 62; plus strand). Cytogenetic location: 19q13.12.
Variant type: single nucleotide variant.
Coding change: c.3937G>A on transcript NM_001083961.2 (MANE Select); coding-DNA position 3937, G replaced by A.
Protein change: p.Val1313Met; replaces valine 1313 with methionine.
Molecular consequence: missense variant.
Genome position (GRCh38, 1-based): chr19:36,103,765, G>A. VCF-style: chr19-36103765-G-A. GRCh37 (hg19) VCF-style: chr19-36594667-G-A.
Other names: c.3922G>A, p.Val1308Met (NM_173636.5); short protein forms V1313M, V1308M.
Identifiers: ClinVar variation 373194 (VCV000373194.2), dbSNP rs144440621, ClinGen allele CA9396423.

ClinVar aggregate classification (germline): Uncertain significance. Review status: criteria provided, multiple submitters, no conflicts (2 of 4 stars). 2 submissions from 2 submitters: Uncertain significance (2). Last evaluated 2025-11-26.

Conditions:
Inborn genetic diseases. Identifiers: MedGen C0950123, MeSH D030342.

Allele frequency attached by ClinVar (database versions not stated): TOPMed 0.00010; 1000 Genomes Project 30x 0.00016; gnomAD 0.00006; 1000 Genomes Project 0.00020; ESP Exome Variant Server 0.00023; gnomAD exomes 0.00009.
gnomAD v4.1: 142 of 1,610,696 alleles (0.0088%); highest among the groups gnomAD compares: Middle Eastern, 0.033%; no homozygotes.

Submissions (2):

Ambry Genetics
Classification: Uncertain significance for Inborn genetic diseases. Last evaluated: 2025-11-26. Review status: criteria provided, single submitter. Criteria: Ambry Variant Classification Scheme 2023. Collection method: clinical testing. Allele origin: germline.

GeneDx
Classification: Uncertain significance. Last evaluated: 2016-11-17. Review status: criteria provided, single submitter. Criteria: GeneDx Variant Classification (06012015). Collection method: clinical testing. Allele origin: germline. Affected: yes.
Comment: A variant of uncertain significance has been identified in the WDR62 gene. The V1313M variant has not been published as a pathogenic variant, nor has it been reported as a benign variant to our knowledge. The V1313M variant was not observed with any significant frequency in approximately 6,500 individuals of European and African American ancestry in the NHLBI Exome Sequencing Project or in the 1000 Genomes Project. The V1313M variant is a conservative amino acid substitution, which is not likely to impact secondary protein structure as these residues share similar properties. This substitution occurs at a position that is not conserved, and in silico analysis predicts this variant likely does not alter the protein structure/function. Based on the currently available information, it is unclear whether this variant is a pathogenic variant or a rare benign variant.